The following is an entry in ClinVar:

NM_006030.4(CACNA2D2):c.635C>T (p.Thr212Met)

Gene: CACNA2D2 (calcium voltage-gated channel auxiliary subunit alpha2delta 2; minus strand). Cytogenetic location: 3p21.31.
Variant type: single nucleotide variant.
Coding change: c.635C>T on transcript NM_006030.4 (MANE Select); coding-DNA position 635, C replaced by T.
Protein change: p.Thr212Met; replaces threonine 212 with methionine.
Molecular consequence: missense variant.
Genome position (GRCh38, 1-based): chr3:50,384,213, G>A on the plus strand (C>T on the coding strand, the complement: CACNA2D2 is on the minus strand). VCF-style: chr3-50384213-G-A. GRCh37 (hg19) VCF-style: chr3-50421644-G-A.
Other names: c.635C>T, p.Thr212Met (NM_001005505.3, NM_001174051.3, NM_001410768.1); c.428C>T, p.Thr143Met (NM_001291101.1); c.635C>T (NM_001174051.1); short protein forms T143M, T212M.
Identifiers: ClinVar variation 2189611 (VCV002189611.4), dbSNP rs1237730801, ClinGen allele CA352943766.
Genomic context (GRCh38, chr3:50,384,213, plus strand): 5'-ACAGCAGGTGGGATGGGCTGTCCCGATTGCTCTGCACACTCACAGCCTTTGTAGATGTCC[G>A]TAGGGATCTGTACAGCCGCGTATGAATAGTTGACCTTGTTCTTGAAGTTTGGGTCCTCGA-3'
Protein context (NP_006021.2, residues 202-222): NYSYAAVQIP[Thr212Met]DIYKGSTVIL

ClinVar aggregate classification (germline): Uncertain significance. Review status: criteria provided, multiple submitters, no conflicts (2 of 4 stars). 2 submissions from 2 submitters: Uncertain significance (2). Last evaluated 2025-01-09.

Conditions:
Developmental and epileptic encephalopathy. Identifiers: MedGen C5779964, MONDO:0100620.
Inborn genetic diseases. Identifiers: MedGen C0950123, MeSH D030342.

Allele frequency attached by ClinVar (database versions not stated): gnomAD exomes 0.00001; TOPMed 0.00001.

Submissions (2):

Ambry Genetics
Classification: Uncertain significance for Inborn genetic diseases. Last evaluated: 2025-01-09. Review status: criteria provided, single submitter. Criteria: Ambry Variant Classification Scheme 2023. Collection method: clinical testing. Allele origin: germline.

Labcorp Genetics (formerly Invitae), Labcorp
Classification: Uncertain significance for Early-infantile DEE. Last evaluated: 2023-08-04. Review status: criteria provided, single submitter. Criteria: Invitae Variant Classification Sherloc (09022015). Collection method: clinical testing. Allele origin: germline.
Comment: In summary, the available evidence is currently insufficient to determine the role of this variant in disease. Therefore, it has been classified as a Variant of Uncertain Significance. An algorithm developed to predict the effect of missense changes on protein structure and function (PolyPhen-2) suggests that this variant is likely to be disruptive. ClinVar contains an entry for this variant (Variation ID: 2189611). This variant has not been reported in the literature in individuals affected with CACNA2D2-related conditions. This variant is present in population databases (no rsID available, gnomAD 0.0009%). This sequence change replaces threonine, which is neutral and polar, with methionine, which is neutral and non-polar, at codon 212 of the CACNA2D2 protein (p.Thr212Met).